The following is an entry in ClinVar:

NM_001127898.4(CLCN5):c.661G>C (p.Ala221Pro)

Gene: CLCN5 (chloride voltage-gated channel 5; plus strand). Cytogenetic location: Xp11.23.
Variant type: single nucleotide variant.
Coding change: c.661G>C on transcript NM_001127898.4 (MANE Select); coding-DNA position 661, G replaced by C.
Protein change: p.Ala221Pro; replaces alanine 221 with proline.
Molecular consequence: missense variant.
Genome position (GRCh38, 1-based): chrX:50,080,651, G>C. VCF-style: chrX-50080651-G-C. GRCh37 (hg19) VCF-style: chrX-49845308-G-C.
Other names: c.451G>C, p.Ala151Pro (NM_000084.5); c.661G>C, p.Ala221Pro (NM_001127899.4); c.511G>C, p.Ala171Pro (NM_001282163.2); short protein forms A151P, A171P, A221P.
Identifiers: ClinVar variation 3349200 (VCV003349200.1).

ClinVar aggregate classification (germline): Uncertain significance (0 of 4 stars; one submission).

Conditions:
CLCN5-related disorder. Also called: CLCN5-related condition.

Submission:

PreventionGenetics, part of Exact Sciences
Classification: Uncertain significance for CLCN5-related condition. Last evaluated: 2024-03-07. Review status: no assertion criteria provided. Collection method: clinical testing. Allele origin: germline.
Comment: The CLCN5 c.451G>C variant is predicted to result in the amino acid substitution p.Ala151Pro. To our knowledge, this variant has not been reported in the literature or in a large population database, indicating this variant is rare. At this time, the clinical significance of this variant is uncertain due to the absence of conclusive functional and genetic evidence.